The following is an entry in ClinVar:

ClinVar aggregate classification (germline): Uncertain significance (1 of 4 stars; one submission).

Allele frequency attached by ClinVar (database versions not stated): gnomAD exomes 0.00001; TOPMed 0.00001; gnomAD 0.00003.

Submission:

Labcorp Genetics (formerly Invitae), Labcorp
Classification: Uncertain significance. Last evaluated: 2022-07-25. Review status: criteria provided, single submitter. Criteria: Invitae Variant Classification Sherloc (09022015). Collection method: clinical testing. Allele origin: germline.
Comment: ClinVar contains an entry for this variant (Variation ID: 1413288). This sequence change replaces threonine, which is neutral and polar, with alanine, which is neutral and non-polar, at codon 997 of the CACNA1B protein (p.Thr997Ala). The frequency data for this variant in the population databases is considered unreliable, as metrics indicate poor data quality at this position in the gnomAD database. This variant has not been reported in the literature in individuals affected with CACNA1B-related conditions. Advanced modeling of protein sequence and biophysical properties (such as structural, functional, and spatial information, amino acid conservation, physicochemical variation, residue mobility, and thermodynamic stability) performed at Invitae indicates that this missense variant is not expected to disrupt CACNA1B protein function. In summary, the available evidence is currently insufficient to determine the role of this variant in disease. Therefore, it has been classified as a Variant of Uncertain Significance.

NM_000718.4(CACNA1B):c.2989A>G (p.Thr997Ala)

Gene: CACNA1B (calcium voltage-gated channel subunit alpha1 B; plus strand). Cytogenetic location: 9q34.3.
Variant type: single nucleotide variant.
Coding change: c.2989A>G on transcript NM_000718.4 (MANE Select); coding-DNA position 2989, A replaced by G.
Protein change: p.Thr997Ala; replaces threonine 997 with alanine.
Molecular consequence: missense variant.
Genome position (GRCh38, 1-based): chr9:138,023,732, A>G. VCF-style: chr9-138023732-A-G. GRCh37 (hg19) VCF-style: chr9-140918184-A-G.
Other names: c.2989A>G, p.Thr997Ala (NM_001243812.2); short protein forms T997A.
Identifiers: ClinVar variation 1413288 (VCV001413288.6), dbSNP rs1256140003, ClinGen allele CA375810558.